The following is an entry in ClinVar:

ClinVar aggregate classification (germline): Benign. Review status: criteria provided, multiple submitters, no conflicts (2 of 4 stars). 2 submissions from 2 submitters: Benign (2). Last evaluated 2018-11-12.

Allele frequency attached by ClinVar (database versions not stated): TOPMed 0.14282; 1000 Genomes Project 0.15515; 1000 Genomes Project 30x 0.15522.

Submissions (2):

GeneDx
Classification: Benign. Last evaluated: 2018-11-12. Review status: criteria provided, single submitter. Criteria: GeneDx Variant Classification Process June 2021. Collection method: clinical testing. Allele origin: germline. Affected: yes.
Comment: This variant is associated with the following publications: (PMID: 11313353)

Breakthrough Genomics
Classification: Benign. Review status: criteria provided, single submitter. Criteria: ACMG Guidelines, 2015. Collection method: not provided. Allele origin: germline. Inheritance: Unknown mechanism. Affected: yes.

NC_000005.10:g.52989247C>G

Genes: ITGA2 (integrin subunit alpha 2; plus strand), ITGA2-AS1 (ITGA2 antisense RNA 1; minus strand), LOC129993879 (ATAC-STARR-seq lymphoblastoid silent region 16003; plus strand). Cytogenetic location: 5q11.2.
Variant type: single nucleotide variant.
Genome position: GRCh38 VCF-style: chr5-52989247-C-G. GRCh37 (hg19) VCF-style: chr5-52285077-C-G.
Identifiers: ClinVar variation 1246532 (VCV001246532.4), dbSNP rs27646, ClinGen allele CA11968512.